The following is an entry in ClinVar:

NM_002103.5(GYS1):c.1646-61T>A

Gene: GYS1 (glycogen synthase 1; minus strand). Cytogenetic location: 19q13.33.
Variant type: single nucleotide variant.
Coding change: c.1646-61T>A on transcript NM_002103.5 (MANE Select); 61 bases into the intron before coding-DNA position 1646, T replaced by A.
Molecular consequence: intron variant.
Genome position (GRCh38, 1-based): chr19:48,970,770, A>T on the plus strand (T>A on the coding strand, the complement: GYS1 is on the minus strand). VCF-style: chr19-48970770-A-T. GRCh37 (hg19) VCF-style: chr19-49474027-A-T.
Other names: c.1454-61T>A (NM_001161587.2).
Identifiers: ClinVar variation 676132 (VCV000676132.2), dbSNP rs2270938, ClinGen allele CA14645749.

ClinVar aggregate classification (germline): Benign. Review status: criteria provided, multiple submitters, no conflicts (2 of 4 stars). 2 submissions from 2 submitters: Benign (2). Last evaluated 2018-06-14.

Allele frequency attached by ClinVar (database versions not stated): 1000 Genomes Project 30x 0.37883; 1000 Genomes Project 0.37919; gnomAD 0.39494 and 0.39883; TOPMed 0.39710.
gnomAD v4.1: 585,497 of 1,534,400 alleles (38%); highest among the groups gnomAD compares: Middle Eastern, 46%; 112,697 homozygotes.

Submissions (2):

GeneDx
Classification: Benign. Last evaluated: 2018-06-14. Review status: criteria provided, single submitter. Criteria: GeneDx Variant Classification (06012015). Collection method: clinical testing. Allele origin: germline. Affected: yes.
Comment: This variant is considered likely benign or benign based on one or more of the following criteria: it is a conservative change, it occurs at a poorly conserved position in the protein, it is predicted to be benign by multiple in silico algorithms, and/or has population frequency not consistent with disease.

Breakthrough Genomics
Classification: Benign. Review status: criteria provided, single submitter. Criteria: ACMG Guidelines, 2015. Collection method: not provided. Allele origin: germline. Inheritance: Autosomal recessive inheritance. Affected: yes.